The following is an entry in ClinVar:

ClinVar aggregate classification (germline): Likely pathogenic (1 of 4 stars; one submission).

Conditions:
Mitochondrial complex IV deficiency, nuclear type 21. Also called: Mitochondrial complex 4 deficiency, nuclear type 21. Identifiers: MedGen C5436727, MONDO:0033656, OMIM 619065.

Submission:

Victorian Clinical Genetics Services, Murdoch Childrens Research Institute
Classification: Likely pathogenic for Mitochondrial complex IV deficiency, nuclear type 21. Last evaluated: 2023-12-21. Review status: criteria provided, single submitter. Criteria: ACMG Guidelines, 2015. Collection method: clinical testing. Allele origin: germline. Inheritance: Autosomal recessive inheritance. Affected: yes.
Comment: Based on the classification scheme VCGS_Germline_v1.3.4, this variant is classified as Likely Pathogenic. Following criteria are met: 0102 - Loss of function is a known mechanism of disease in this gene and is associated with mitochondrial complex IV deficiency, nuclear type 21, (MIM#619065). (I) 0106 - This gene is associated with autosomal recessive disease. (I) 0211 - Canonical splice site variant without proven consequence on splicing (no functional evidence available). (SP) 0251 - This variant is heterozygous. (I) 0301 - Variant is absent from gnomAD (both v2 and v3). (SP) 0311 - An alternative nucleotide change at the same canonical splice site is present in gnomAD (v2) (2 heterozygotes, 0 homozygotes). (I) 0505 - Abnormal splicing is predicted by in silico tools and affected nucleotide is highly conserved. (SP) 0705 - No comparable canonical splice variants have previous evidence for pathogenicity. (I) 0807 - This variant has no previous evidence of pathogenicity. (I) 0905 - No published segregation evidence has been identified for this variant. (I) 1007 - No published functional evidence has been identified for this variant. (I) Legend: (SP) - Supporting pathogenic, (I) - Information, (SB) - Supporting benign

NM_002489.4(COXFA4):c.131+1G>A

Gene: COXFA4 (cytochrome c oxidase associated subunit FA4; minus strand). Cytogenetic location: 7p21.3.
Variant type: single nucleotide variant.
Coding change: c.131+1G>A on transcript NM_002489.4 (MANE Select); the canonical splice donor site of the intron after coding-DNA position 131, G replaced by A.
Molecular consequence: splice donor variant.
Genome position (GRCh38, 1-based): chr7:10,938,807, C>T on the plus strand (G>A on the coding strand, the complement: COXFA4 is on the minus strand). VCF-style: chr7-10938807-C-T. GRCh37 (hg19) VCF-style: chr7-10978434-C-T.
Identifiers: ClinVar variation 3255019 (VCV003255019.1), dbSNP rs552689119.